The following is an entry in ClinVar:

ClinVar aggregate classification (germline): Uncertain significance (1 of 4 stars; one submission).

gnomAD v4.1: 1 of 1,614,010 alleles (0.000062%); highest among the groups gnomAD compares: African/African-American, 0.0013%; no homozygotes.

Submission:

GeneDx
Classification: Uncertain significance. Last evaluated: 2025-03-07. Review status: criteria provided, single submitter. Criteria: GeneDx Variant Classification Process June 2021. Collection method: clinical testing. Allele origin: germline. Affected: yes.
Comment: Not observed at significant frequency in large population cohorts (gnomAD); In silico analysis indicates that this missense variant does not alter protein structure/function; Has not been previously published as pathogenic or benign to our knowledge

NM_207122.2(EXT2):c.1417A>G (p.Ile473Val)

Genes: EXT2 (exostosin glycosyltransferase 2; plus strand), LOC126861201 (MED14-independent group 3 enhancer GRCh37_chr11:44218806-44220005; plus strand). Cytogenetic location: 11p11.2.
Variant type: single nucleotide variant.
Coding change: c.1417A>G on transcript NM_207122.2 (MANE Select); coding-DNA position 1417, A replaced by G.
Protein change: p.Ile473Val; replaces isoleucine 473 with valine.
Molecular consequence: missense variant.
Genome position (GRCh38, 1-based): chr11:44,197,940, A>G. VCF-style: chr11-44197940-A-G. GRCh37 (hg19) VCF-style: chr11-44219490-A-G.
Other names: c.1516A>G, p.Ile506Val (NM_000401.3); c.1447A>G, p.Ile483Val (NM_001178083.3); c.1417A>G, p.Ile473Val (NM_001389628.1, NM_001389630.1); short protein forms I473V, I483V, I506V.
Identifiers: ClinVar variation 4083163 (VCV004083163.1).